The following is an entry in ClinVar:

NM_003482.4(KMT2D):c.2222C>T (p.Pro741Leu)

Gene: KMT2D (lysine methyltransferase 2D; minus strand). Cytogenetic location: 12q13.12.
Variant type: single nucleotide variant.
Coding change: c.2222C>T on transcript NM_003482.4 (MANE Select); coding-DNA position 2222, C replaced by T.
Protein change: p.Pro741Leu; replaces proline 741 with leucine.
Molecular consequence: missense variant.
Genome position (GRCh38, 1-based): chr12:49,051,461, G>A on the plus strand (C>T on the coding strand, the complement: KMT2D is on the minus strand). VCF-style: chr12-49051461-G-A. GRCh37 (hg19) VCF-style: chr12-49445244-G-A.
Other names: short protein forms P741L.
Identifiers: ClinVar variation 134666 (VCV000134666.20), dbSNP rs587778453, ClinGen allele CA160495.

ClinVar aggregate classification (germline): Conflicting classifications of pathogenicity. Review status: criteria provided, conflicting classifications (1 of 4 stars). 7 submissions from 7 submitters: Uncertain significance (2); Likely benign (3). 2 of the submissions do not count toward it. Last evaluated 2026-07-01.

Conditions:
KMT2D-related disorder. Also called: KMT2D-Related Disorders.
Kabuki syndrome. Also called: NIIKAWA-KUROKI SYNDROME; Kabuki make-up syndrome. Identifiers: Orphanet 2322, MedGen C0796004, MONDO:0016512.

Allele frequency attached by ClinVar (database versions not stated): gnomAD exomes 0.00003 and 0.00005; gnomAD 0.00008 and 0.00009; ExAC 0.00009; TOPMed 0.00011.
gnomAD v4.1: 64 of 1,613,558 alleles (0.004%); highest among the groups gnomAD compares: African/African-American, 0.033%; no homozygotes.

Submissions (7):

CeGaT Center for Human Genetics Tuebingen
Classification: Likely benign. Last evaluated: 2026-07-01. Review status: criteria provided, single submitter. Criteria: CeGaT Center For Human Genetics Tuebingen Variant Classification Criteria Version 2. Collection method: clinical testing. Allele origin: germline. Affected: yes. Observed: 1 variant allele.
Comment: KMT2D: BP4

Labcorp Genetics (formerly Invitae), Labcorp
Classification: Likely benign for Kabuki syndrome. Last evaluated: 2026-01-07. Review status: criteria provided, single submitter. Criteria: Invitae Variant Classification Sherloc (09022015). Collection method: clinical testing. Allele origin: germline.

ARUP Laboratories, Molecular Genetics and Genomics, ARUP Laboratories
Classification: Uncertain significance. Last evaluated: 2025-06-06. Review status: criteria provided, single submitter. Criteria: ARUP Molecular Germline Variant Investigation Process 2024. Collection method: clinical testing. Allele origin: germline.
Comment: The KMT2D c.2222C>T; p.Pro741Leu variant (rs587778453), to our knowledge, is not reported in the medical literature but is reported in ClinVar (Variation ID: 134666). This variant is found in the general population with an overall allele frequency of 0.005% (14/276,306 alleles) in the Genome Aggregation Database (v2.1.1). Computational analyses predict that this variant is neutral (REVEL: 0.04). However, given the lack of clinical and functional data, the significance of this variant is uncertain at this time.

GeneDx
Classification: Likely benign. Last evaluated: 2021-02-15. Review status: criteria provided, single submitter. Criteria: GeneDx Variant Classification Process June 2021. Collection method: clinical testing. Allele origin: germline. Affected: yes.

Eurofins Ntd Llc (ga)
Classification: Uncertain significance. Last evaluated: 2018-01-31. Review status: criteria provided, single submitter. Criteria: EGL Classification Definitions 2015. Collection method: clinical testing. Allele origin: germline. Observed: 1 variant allele, 1 heterozygote.

PreventionGenetics, part of Exact Sciences
Classification: Uncertain significance for KMT2D-related condition. Last evaluated: 2024-03-01. Review status: no assertion criteria provided. Collection method: clinical testing. Allele origin: germline. Not counted in ClinVar's aggregate classification.
Comment: The KMT2D c.2222C>T variant is predicted to result in the amino acid substitution p.Pro741Leu. To our knowledge, this variant has not been reported in the literature. This variant is reported in 0.026% of alleles in individuals of African descent in gnomAD. Although we suspect that this variant may be benign, at this time, the clinical significance of this variant is uncertain due to the absence of conclusive functional and genetic evidence.

ITMI
No classification provided. Condition: AllHighlyPenetrant. Last evaluated: 2013-09-19. Review status: no classification provided. Collection method: reference population. Allele origin: germline. Not counted in ClinVar's aggregate classification.
Comment: Please see associated publication for description of ethnicities

Literature cited by the submitters: PubMed 24728327 (cited by ITMI).